The following is an entry in ClinVar:

ClinVar aggregate classification (germline): Likely benign. Review status: criteria provided, single submitter (1 of 4 stars). 2 submissions from 2 submitters: Likely benign (1). 1 of the submissions does not count toward it. Last evaluated 2024-11-11.

Conditions:
Intellectual developmental disorder, X-linked 19. Also called: Intellectual disability, X-linked 19. Identifiers: Orphanet 777, MedGen C0796225, MONDO:0010447, OMIM 300844.
Coffin-Lowry syndrome (CLS). Also called: COFFIN-LOWRY SYNDROME, MILD; Mental retardation with osteocartilaginous abnormalities. Identifiers: Orphanet 192, MedGen C0265252, MONDO:0010561, OMIM 303600.
RPS6KA3-related disorder. Also called: RPS6KA3-related condition.

Allele frequency attached by ClinVar (database versions not stated): gnomAD exomes below 0.00001; gnomAD 0.00003; TOPMed 0.00003; ESP Exome Variant Server 0.00009.
gnomAD v4.1: 5 of 1,145,751 alleles (0.00044%); highest among the groups gnomAD compares: African/African-American, 0.0071%; no homozygotes.

Submissions (2):

Labcorp Genetics (formerly Invitae), Labcorp
Classification: Likely benign for Coffin-Lowry syndrome; Intellectual developmental disorder, X-linked 19. Last evaluated: 2024-11-11. Review status: criteria provided, single submitter. Criteria: Invitae Variant Classification Sherloc (09022015). Collection method: clinical testing. Allele origin: germline.

PreventionGenetics, part of Exact Sciences
Classification: Likely benign for RPS6KA3-related condition. Last evaluated: 2021-06-15. Review status: no assertion criteria provided. Collection method: clinical testing. Allele origin: germline. Not counted in ClinVar's aggregate classification.
Comment: This variant is classified as likely benign based on ACMG/AMP sequence variant interpretation guidelines (Richards et al. 2015 PMID: 25741868, with internal and published modifications).

NM_004586.3(RPS6KA3):c.327T>A (p.Val109=)

Gene: RPS6KA3 (ribosomal protein S6 kinase A3; minus strand). Cytogenetic location: Xp22.12.
Variant type: single nucleotide variant.
Coding change: c.327T>A on transcript NM_004586.3 (MANE Select); coding-DNA position 327, T replaced by A.
Protein change: p.Val109=; no amino-acid change (valine 109 retained).
Molecular consequence: synonymous variant.
Genome position (GRCh38, 1-based): chrX:20,195,144, A>T on the plus strand (T>A on the coding strand, the complement: RPS6KA3 is on the minus strand). VCF-style: chrX-20195144-A-T. GRCh37 (hg19) VCF-style: chrX-20213262-A-T.
Identifiers: ClinVar variation 3054972 (VCV003054972.4), dbSNP rs377321850, ClinGen allele CA327476322.
Genomic context (GRCh38, chrX:20,195,144, plus strand): 5'-AAAAGGATGATTAACCTCTACCAAGATATCACGTTCCATTTTTGTCCGAACTCGGTCTCG[A>T]ACTATAAAAGATTGTATGTATGCTACATTGTAATATCTTTCAAAGATAATCTTCAAAACA-3'
Protein context (NP_004577.1, residues 99-119): MKVLKKATLK[Val109=]RDRVRTKMER